The following is an entry in ClinVar:

NM_177924.5(ASAH1):c.785+5dup

Gene: ASAH1 (N-acylsphingosine amidohydrolase 1; minus strand). Cytogenetic location: 8p22.
Variant type: Duplication.
Coding change: c.785+5dup on transcript NM_177924.5 (MANE Select); 5 bases into the intron after coding-DNA position 785, one base duplicated (A; older notation c.785+5dupA).
Molecular consequence: intron variant.
Genome position (GRCh38, 1-based): chr8:18,061,372, T duplicated on the plus strand (A on the coding strand, the reverse complement: ASAH1 is on the minus strand); the first of 3 consecutive T bases (chr8:18,061,372-18,061,374); duplicating any one gives the same sequence. VCF-style (leftmost placement, unchanged base first): chr8-18061371-C-CT. GRCh37 (hg19) VCF-style: chr8-17918880-C-CT.
Other names: c.833+5dup (NM_004315.6); c.767+5dup (NM_001127505.3); c.590+5dup (NM_001363743.2).
Identifiers: ClinVar variation 1424410 (VCV001424410.3), dbSNP rs2117024746, ClinGen allele CA2573142613.
Genomic context (GRCh38, chr8:18,061,371, plus strand): 5'-ATTTTTATTTTTTAATATGAGTAATTTAAAATAAATATTTAATAGTAAAGCAACGAAACA[C>CT]TTTACCTTGTGCTATTTTCCAGAACTGTTCTAGTGAGGAACCCTATCCACATGACATCTT-3'

ClinVar aggregate classification (germline): Uncertain significance (1 of 4 stars; one submission).

Submission:

Labcorp Genetics (formerly Invitae), Labcorp
Classification: Uncertain significance. Last evaluated: 2021-09-26. Review status: criteria provided, single submitter. Criteria: Invitae Variant Classification Sherloc (09022015). Collection method: clinical testing. Allele origin: germline.
Comment: This sequence change falls in intron 10 of the ASAH1 gene. It does not directly change the encoded amino acid sequence of the ASAH1 protein. It affects a nucleotide within the consensus splice site of the intron. This variant is not present in population databases (ExAC no frequency). This variant has not been reported in the literature in individuals affected with ASAH1-related conditions. Variants that disrupt the consensus splice site are a relatively common cause of aberrant splicing (PMID: 17576681, 9536098). Algorithms developed to predict the effect of sequence changes on RNA splicing suggest that this variant is not likely to affect RNA splicing. In summary, the available evidence is currently insufficient to determine the role of this variant in disease. Therefore, it has been classified as a Variant of Uncertain Significance.

Literature cited by the submitters: PubMed 17576681; PubMed 9536098.